The following is an entry in ClinVar:

NM_005993.5(TBCD):c.1149-2A>C

Gene: TBCD (tubulin folding cofactor D). Cytogenetic location: 17q25.3.
Variant type: single nucleotide variant.
Coding change: c.1149-2A>C on transcript NM_005993.5 (MANE Select); the canonical splice acceptor site of the intron before coding-DNA position 1149, A replaced by C.
Molecular consequence: splice acceptor variant.
Genome position (GRCh38, 1-based): chr17:82,809,706, A>C. VCF-style: chr17-82809706-A-C. GRCh37 (hg19) VCF-style: chr17-80767582-A-C.
Other names: c.1149-2A>C (NM_001411102.1); c.1098-2A>C (NM_001411101.1).
Identifiers: ClinVar variation 2768075 (VCV002768075.3), dbSNP rs2510905619, ClinGen allele CA401620196.
Genomic context (GRCh38, chr17:82,809,706, plus strand): 5'-CACGCATGCCCTTGGCGACAGGCTGGTGGTGCCCCTGACGGATTGCTGCGTTTCTCTTTC[A>C]GCATCGGTAGGATGGCTGGCAGGCTTCCCAGAGCCCTGGCGGATGATGTGGTCGGGTCTG-3'

ClinVar aggregate classification (germline): Likely pathogenic (1 of 4 stars; one submission).

Submission:

Labcorp Genetics (formerly Invitae), Labcorp
Classification: Likely pathogenic. Last evaluated: 2024-10-17. Review status: criteria provided, single submitter. Criteria: Invitae Variant Classification Sherloc (09022015). Collection method: clinical testing. Allele origin: germline.
Comment: This sequence change affects an acceptor splice site in intron 11 of the TBCD gene. It is expected to disrupt RNA splicing. Variants that disrupt the donor or acceptor splice site typically lead to a loss of protein function (PMID: 16199547), and loss-of-function variants in TBCD are known to be pathogenic (PMID: 27666370, 27666374). This variant is not present in population databases (gnomAD no frequency). This variant has not been reported in the literature in individuals affected with TBCD-related conditions. Algorithms developed to predict the effect of sequence changes on RNA splicing suggest that this variant may disrupt the consensus splice site. In summary, the currently available evidence indicates that the variant is pathogenic, but additional data are needed to prove that conclusively. Therefore, this variant has been classified as Likely Pathogenic.

Literature cited by the submitters: PubMed 16199547; PubMed 27666370; PubMed 27666374.